The following is an entry in ClinVar:

ClinVar aggregate classification (germline): Likely pathogenic (1 of 4 stars; one submission).

Conditions:
RASopathy. Also called: Noonan spectrum disorder; rasopathies. Identifiers: Orphanet 536391, MedGen C5555857, MONDO:0021060.

Submission:

Labcorp Genetics (formerly Invitae), Labcorp
Classification: Likely pathogenic for RASopathy. Last evaluated: 2025-06-29. Review status: criteria provided, single submitter. Criteria: Invitae Variant Classification Sherloc (09022015). Collection method: clinical testing. Allele origin: germline.
Comment: This sequence change replaces aspartic acid, which is acidic and polar, with alanine, which is neutral and non-polar, at codon 465 of the SOS1 protein (p.Asp465Ala). This variant is not present in population databases (gnomAD no frequency). This variant has not been reported in the literature in individuals affected with SOS1-related conditions. Invitae Evidence Modeling of protein sequence and biophysical properties (such as structural, functional, and spatial information, amino acid conservation, physicochemical variation, residue mobility, and thermodynamic stability) indicates that this missense variant is expected to disrupt SOS1 protein function with a positive predictive value of 95%. This variant disrupts the p.Asp465 amino acid residue in SOS1. Other variant(s) that disrupt this residue have been determined to be pathogenic (internal data). This suggests that this residue is clinically significant, and that variants that disrupt this residue are likely to be disease-causing. In summary, the currently available evidence indicates that the variant is pathogenic, but additional data are needed to prove that conclusively. Therefore, this variant has been classified as Likely Pathogenic.

NM_005633.4(SOS1):c.1394A>C (p.Asp465Ala)

Gene: SOS1 (SOS Ras/Rac guanine nucleotide exchange factor 1; minus strand). Cytogenetic location: 2p22.1.
Variant type: single nucleotide variant.
Coding change: c.1394A>C on transcript NM_005633.4 (MANE Select); coding-DNA position 1394, A replaced by C.
Protein change: p.Asp465Ala; replaces aspartic acid 465 with alanine.
Molecular consequence: missense variant.
Genome position (GRCh38, 1-based): chr2:39,023,034, T>G on the plus strand (A>C on the coding strand, the complement: SOS1 is on the minus strand). VCF-style: chr2-39023034-T-G. GRCh37 (hg19) VCF-style: chr2-39250175-T-G.
Other names: c.1373A>C, p.Asp458Ala (NM_001382394.1); c.1394A>C, p.Asp465Ala (NM_001382395.1); short protein forms D458A, D465A.
Identifiers: ClinVar variation 4747109 (VCV004747109.1).
Genomic context (GRCh38, chr2:39,023,034, plus strand): 5'-TTGCTAGCACCAGGAAGTCTTGGCTGCCCATGATTTGATTTACAGCAAATCATTAAGCCA[T>G]CAAAGAGAAATATGTGTCTCTCATGTTTGGCTCCTACACGTGTAAGAGTTCCTTCCATTA-3'
Protein context (NP_005624.2, residues 455-475): AKHERHIFLF[Asp465Ala]GLMICCKSNH